The following is an entry in ClinVar:

ClinVar aggregate classification (germline): Likely benign. Review status: criteria provided, multiple submitters, no conflicts (2 of 4 stars). 2 submissions from 2 submitters: Likely benign (2). Last evaluated 2025-11-01.

Conditions:
Hereditary sensory and autonomic neuropathy type 6. Also called: HSAN VI; Neuropathy, hereditary sensory and autonomic, type VI. Identifiers: Orphanet 314381, MedGen C3539003, MONDO:0013839, OMIM 614653.
Epidermolysis bullosa simplex 3, localized or generalized intermediate, with BP230 deficiency (EBS3). Also called: Epidermolysis bullosa simplex due to BP230 deficiency; Epidermolysis bullosa simplex, autosomal recessive 2. Identifiers: Orphanet 412181, MedGen C3809470, MONDO:0014180, OMIM 615425.

Allele frequency attached by ClinVar (database versions not stated): gnomAD exomes below 0.00001; TOPMed below 0.00001; gnomAD 0.00001.
gnomAD v4.1: 12 of 1,613,776 alleles (0.00074%); highest among the groups gnomAD compares: Middle Eastern, 0.033%; no homozygotes.

Submissions (2):

CeGaT Center for Human Genetics Tuebingen
Classification: Likely benign. Last evaluated: 2025-11-01. Review status: criteria provided, single submitter. Criteria: CeGaT Center For Human Genetics Tuebingen Variant Classification Criteria Version 2. Collection method: clinical testing. Allele origin: germline. Affected: yes. Observed: 1 variant allele.
Comment: DST: BP4, BP7

Labcorp Genetics (formerly Invitae), Labcorp
Classification: Likely benign for Epidermolysis bullosa simplex 3, localized or generalized intermediate, with BP230 deficiency; Hereditary sensory and autonomic neuropathy type 6. Last evaluated: 2023-03-07. Review status: criteria provided, single submitter. Criteria: Invitae Variant Classification Sherloc (09022015). Collection method: clinical testing. Allele origin: germline.

NM_001374736.1(DST):c.21324G>A (p.Gln7108=)

Gene: DST (dystonin; minus strand). Cytogenetic location: 6p12.1.
Variant type: single nucleotide variant.
Coding change: c.21324G>A on transcript NM_001374736.1 (MANE Select); coding-DNA position 21324, G replaced by A.
Protein change: p.Gln7108=; no amino-acid change (glutamine 7108 retained).
Molecular consequence: synonymous variant.
Genome position (GRCh38, 1-based): chr6:56,482,761, C>T on the plus strand (G>A on the coding strand, the complement: DST is on the minus strand). VCF-style: chr6-56482761-C-T. GRCh37 (hg19) VCF-style: chr6-56347559-C-T.
Other names: c.14967G>A, p.Gln4989= (NM_001144769.5); c.14553G>A, p.Gln4851= (NM_001144770.2); c.21324G>A, p.Gln7108= (NM_001374722.1); c.20364G>A, p.Gln6788= (NM_001374729.1); c.14106G>A, p.Gln4702= (NM_001374730.1); c.21351G>A, p.Gln7117= (NM_001374734.1); c.14433G>A, p.Gln4811= (NM_001386100.1, NM_183380.4); c.13455G>A, p.Gln4485= (NM_015548.5).
Identifiers: ClinVar variation 1127273 (VCV001127273.15), dbSNP rs1257017632, ClinGen allele CA450487884.